The following is an entry in ClinVar:

ClinVar aggregate classification (germline): Uncertain significance (1 of 4 stars; one submission).

Submission:

Ambry Genetics
Classification: Uncertain significance. Last evaluated: 2023-03-12. Review status: criteria provided, single submitter. Criteria: Ambry Variant Classification Scheme 2023. Collection method: clinical testing. Allele origin: germline.
Comment: The p.E116A variant (also known as c.347A>C), located in coding exon 4 of the NEBL gene, results from an A to C substitution at nucleotide position 347. The glutamic acid at codon 116 is replaced by alanine, an amino acid with dissimilar properties. This amino acid position is conserved. In addition, the in silico prediction for this alteration is inconclusive. Since supporting evidence is limited at this time, the clinical significance of this alteration remains unclear.

NM_006393.3(NEBL):c.347A>C (p.Glu116Ala)

Gene: NEBL (nebulette; minus strand). Cytogenetic location: 10p12.31.
Variant type: single nucleotide variant.
Coding change: c.347A>C on transcript NM_006393.3 (MANE Select); coding-DNA position 347, A replaced by C.
Protein change: p.Glu116Ala; replaces glutamic acid 116 with alanine.
Molecular consequence: missense variant. On other transcripts: intron variant (9).
Genome position (GRCh38, 1-based): chr10:20,888,119, T>G on the plus strand (A>C on the coding strand, the complement: NEBL is on the minus strand). VCF-style: chr10-20888119-T-G. GRCh37 (hg19) VCF-style: chr10-21177048-T-G.
Other names: c.249+73553A>C (NM_001377326.1, NM_001377327.1, NM_001377328.1); c.357+73553A>C (NM_213569.2, NM_001173484.2, NM_001377322.1); c.300+73553A>C (NM_001377324.1); c.291+73553A>C (NM_001377325.1); c.309+73553A>C (NM_001377323.1); short protein forms E116A.
Identifiers: ClinVar variation 2448889 (VCV002448889.2), dbSNP rs2492541751, ClinGen allele CA376095991.